The following is an entry in ClinVar:

ClinVar aggregate classification (germline): Uncertain significance. Review status: criteria provided, multiple submitters, no conflicts (2 of 4 stars). 2 submissions from 2 submitters: Uncertain significance (2). Last evaluated 2023-04-03.

Conditions:
Hereditary cancer-predisposing syndrome. Also called: Hereditary neoplastic syndrome; Tumor predisposition; Neoplastic Syndromes, Hereditary; Hereditary Cancer Syndrome. Identifiers: Orphanet 140162, MedGen C0027672, MeSH D009386, MONDO:0015356.
Oligodontia-cancer predisposition syndrome. Also called: TOOTH AGENESIS-COLORECTAL CANCER SYNDROME. Identifiers: Orphanet 300576, MedGen C1837750, MONDO:0012075, OMIM 608615. Disease mechanism: loss of function.

Submissions (2):

Ambry Genetics
Classification: Uncertain significance for Hereditary cancer-predisposing syndrome. Last evaluated: 2023-04-03. Review status: criteria provided, single submitter. Criteria: Ambry Variant Classification Scheme 2023. Collection method: clinical testing. Allele origin: germline.
Comment: The p.V765A variant (also known as c.2294T>C), located in coding exon 9 of the AXIN2 gene, results from a T to C substitution at nucleotide position 2294. The valine at codon 765 is replaced by alanine, an amino acid with similar properties. This amino acid position is highly conserved in available vertebrate species. In addition, the in silico prediction for this alteration is inconclusive. Since supporting evidence is limited at this time, the clinical significance of this alteration remains unclear.

Labcorp Genetics (formerly Invitae), Labcorp
Classification: Uncertain significance for Oligodontia-cancer predisposition syndrome. Last evaluated: 2018-08-25. Review status: criteria provided, single submitter. Criteria: Invitae Variant Classification Sherloc (09022015). Collection method: clinical testing. Allele origin: germline.
Comment: In summary, the available evidence is currently insufficient to determine the role of this variant in disease. Therefore, it has been classified as a Variant of Uncertain Significance. Algorithms developed to predict the effect of missense changes on protein structure and function are either unavailable or do not agree on the potential impact of this missense change (SIFT: "Deleterious"; PolyPhen-2: "Benign"; Align-GVGD: "Class C25"). This variant has not been reported in the literature in individuals with AXIN2-related disease. This variant is not present in population databases (ExAC no frequency). This sequence change replaces valine with alanine at codon 765 of the AXIN2 protein (p.Val765Ala). The valine residue is moderately conserved and there is a small physicochemical difference between valine and alanine.

NM_004655.4(AXIN2):c.2294T>C (p.Val765Ala)

Gene: AXIN2 (axin 2; minus strand). Cytogenetic location: 17q24.1.
Variant type: single nucleotide variant.
Coding change: c.2294T>C on transcript NM_004655.4 (MANE Select); coding-DNA position 2294, T replaced by C.
Protein change: p.Val765Ala; replaces valine 765 with alanine.
Molecular consequence: missense variant.
Genome position (GRCh38, 1-based): chr17:65,534,023, A>G on the plus strand (T>C on the coding strand, the complement: AXIN2 is on the minus strand). VCF-style: chr17-65534023-A-G. GRCh37 (hg19) VCF-style: chr17-63530141-A-G.
Other names: c.2099T>C, p.Val700Ala (NM_001363813.1); c.2294T>C (LRG_296t1); short protein forms V700A, V765A.
Identifiers: ClinVar variation 655619 (VCV000655619.10), dbSNP rs1598093979, ClinGen allele CA400675567.